The following is an entry in ClinVar:

NM_017619.4(RNPC3):c.613C>A (p.Arg205=)

Gene: RNPC3 (RNA binding region (RNP1, RRM) containing 3; plus strand). Cytogenetic location: 1p21.1.
Variant type: single nucleotide variant.
Coding change: c.613C>A on transcript NM_017619.4 (MANE Select); coding-DNA position 613, C replaced by A.
Protein change: p.Arg205=; no amino-acid change (arginine 205 retained).
Molecular consequence: synonymous variant.
Genome position (GRCh38, 1-based): chr1:103,536,183, C>A. VCF-style: chr1-103536183-C-A. GRCh37 (hg19) VCF-style: chr1-104078805-C-A.
Identifiers: ClinVar variation 2638958 (VCV002638958.24), dbSNP rs939646611, ClinGen allele CA419263451.
Genomic context (GRCh38, chr1:103,536,183, plus strand): 5'-AAGGTCCTTCATCTTATGAATAAAATGAATTTGCCCACACCTTTTGGACCAATTACTGCG[C>A]GACCTCCCATGGTAAGAAAACTCTTAGAATTTTCAAGTCAAAATTTCTCTTCCTGAATGG-3'
Protein context (NP_060089.1, residues 195-215): LPTPFGPITA[Arg205=]PPMYEDYMPL

ClinVar aggregate classification (germline): Likely benign (1 of 4 stars; one submission).

gnomAD v4.1: 4 of 1,535,042 alleles (0.00026%); highest among the groups gnomAD compares: Non-Finnish European, 0.00026%; no homozygotes.

Submission:

CeGaT Center for Human Genetics Tuebingen
Classification: Likely benign. Last evaluated: 2022-12-01. Review status: criteria provided, single submitter. Criteria: CeGaT Center For Human Genetics Tuebingen Variant Classification Criteria Version 2. Collection method: clinical testing. Allele origin: germline. Affected: yes. Observed: 1 variant allele.
Comment: RNPC3: BP4, BP7